The following is an entry in ClinVar:

NC_000014.9:g.(?_23396684)_(23397623_?)del

Gene: MYH6 (myosin heavy chain 6; minus strand). Cytogenetic location: 14q11.2.
Variant type: Deletion.
Identifiers: ClinVar variation 833334 (VCV000833334.7).

ClinVar aggregate classification (germline): Uncertain significance (1 of 4 stars; one submission).

Conditions:
Hypertrophic cardiomyopathy 14. Identifiers: MedGen C2750467, MONDO:0013197, OMIM 613251.

Submission:

Labcorp Genetics (formerly Invitae), Labcorp
Classification: Uncertain significance for Hypertrophic cardiomyopathy 14. Last evaluated: 2022-07-25. Review status: criteria provided, single submitter. Criteria: Invitae Variant Classification Sherloc (09022015). Collection method: clinical testing. Allele origin: germline.
Comment: In summary, the available evidence is currently insufficient to determine the role of this variant in disease. Therefore, it has been classified as a Variant of Uncertain Significance. This variant has not been reported in the literature in individuals affected with MYH6-related conditions. This variant is a gross deletion of the genomic region encompassing exon(s) 16-19 of the MYH6 gene. This deletion is out-of-frame, and is expected to create a premature translational stop signal and result in an absent or disrupted protein product. However, the current clinical and genetic evidence is not sufficient to establish whether loss-of-function variants in MYH6 cause disease.